The following is an entry in ClinVar:

NC_000001.10:g.(?_215901352)_(216051242_?)dup

Gene: USH2A (usherin; minus strand). Cytogenetic location: 1q41.
Variant type: Duplication.
Identifiers: ClinVar variation 1349994 (VCV001349994.7).

ClinVar aggregate classification (germline): Likely pathogenic (1 of 4 stars; one submission).

Submission:

Labcorp Genetics (formerly Invitae), Labcorp
Classification: Likely pathogenic. Last evaluated: 2022-03-09. Review status: criteria provided, single submitter. Criteria: Invitae Variant Classification Sherloc (09022015). Collection method: clinical testing. Allele origin: germline.
Comment: In summary, the currently available evidence indicates that the variant is pathogenic, but additional data are needed to prove that conclusively. Therefore, this variant has been classified as Likely Pathogenic. A similar copy number variant has been observed in individual(s) with Usher syndrome (Invitae). This variant results in a copy number gain of the genomic region encompassing exon(s) 43-61 of the USH2A gene. While the exact position of this variant cannot be determined from the data, sub-genic copy number gains are generally in tandem (PMID: 25640679). This variant is predicted to be out-of-frame, and may result in an absent or disrupted protein product. Loss-of-function variants in USH2A are known to be pathogenic (PMID: 10729113, 10909849, 20507924, 25649381).

Literature cited by the submitters: PubMed 25640679; PubMed 10729113; PubMed 10909849; PubMed 20507924; PubMed 25649381.